The following is an entry in ClinVar:

ClinVar aggregate classification (germline): Benign/Likely benign. Review status: criteria provided, multiple submitters, no conflicts (2 of 4 stars). 8 submissions from 8 submitters: Benign (4); Likely benign (3). 1 of the submissions does not count toward it. Last evaluated 2026-01-17.

Conditions:
Idiopathic basal ganglia calcification 1 (PFBC1A). Also called: Familial Idiopathic Basal Ganglia Calcification 3; Primary Familial Brain Calcification; Familial Idiopathic Basal Ganglia Calcification 2; Fahr's syndrome; PRIMARY FAMILIAL BRAIN CALCIFICATION 1A, AUTOSOMAL DOMINANT; Cerebral calcification nonarteriosclerotic idiopathic adult-onset. Identifiers: Orphanet 1980, MedGen C4551624, MONDO:0024538, OMIM 213600.

Allele frequency attached by ClinVar (database versions not stated): ESP Exome Variant Server 0.00292; gnomAD exomes 0.00559 and 0.00484; ExAC 0.00567; TOPMed 0.00306; gnomAD 0.00331 and 0.00262; 1000 Genomes Project 30x 0.00656; 1000 Genomes Project 0.00719.
gnomAD v4.1: 7,666 of 1,614,246 alleles (0.47%); highest among the groups gnomAD compares: South Asian, 2.1%; 44 homozygotes.

Submissions (8):

Labcorp Genetics (formerly Invitae), Labcorp
Classification: Benign. Last evaluated: 2026-01-17. Review status: criteria provided, single submitter. Criteria: Invitae Variant Classification Sherloc (09022015). Collection method: clinical testing. Allele origin: germline.

Mayo Clinic Laboratories, Mayo Clinic
Classification: Benign. Last evaluated: 2023-07-14. Review status: criteria provided, single submitter. Criteria: ACMG Guidelines, 2015. Collection method: clinical testing. Allele origin: germline. Observed: 4 variant alleles.
Comment: BS1, BS2, BP4, BP7

GeneDx
Classification: Likely benign. Last evaluated: 2022-01-10. Review status: criteria provided, single submitter. Criteria: GeneDx Variant Classification Process June 2021. Collection method: clinical testing. Allele origin: germline. Affected: yes.

Illumina Laboratory Services, Illumina
Classification: Benign for Idiopathic basal ganglia calcification 1. Last evaluated: 2018-01-13. Review status: criteria provided, single submitter. Criteria: ICSL Variant Classification Criteria 13 December 2019. Collection method: clinical testing. Allele origin: germline.
Comment: This variant was observed in the ICSL laboratory as part of a predisposition screen in an ostensibly healthy population. It had not been previously curated by ICSL or reported in the Human Gene Mutation Database (HGMD: prior to June 1st, 2018), and was therefore a candidate for classification through an automated scoring system. Utilizing variant allele frequency, disease prevalence and penetrance estimates, and inheritance mode, an automated score was calculated to assess if this variant is too frequent to cause the disease. Based on the score and internal cut-off values, a variant classified as benign is not then subjected to further curation. The score for this variant resulted in a classification of benign for this disease.

Eurofins Ntd Llc (ga)
Classification: Benign. Last evaluated: 2016-03-08. Review status: criteria provided, single submitter. Criteria: EGL Classification Definitions 2015. Collection method: clinical testing. Allele origin: germline. Observed: 1 variant allele, 1 heterozygote.

Clinical Genetics DNA and cytogenetics Diagnostics Lab, Erasmus MC, Erasmus Medical Center
Classification: Likely benign for Idiopathic basal ganglia calcification 1. Last evaluated: 2015-09-21. Review status: criteria provided, single submitter. Criteria: ACGS Guidelines, 2013. Collection method: clinical testing. Allele origin: germline. Affected: yes. Study: VKGL Data-share Consensus.

Breakthrough Genomics
Classification: Likely benign. Review status: criteria provided, single submitter. Criteria: ACMG Guidelines, 2015. Collection method: not provided. Allele origin: germline. Inheritance: Autosomal dominant inheritance. Affected: yes.

Genome Diagnostics Laboratory, Amsterdam University Medical Center
Classification: Likely benign for Idiopathic basal ganglia calcification 1. Last evaluated: 2015-09-29. Review status: no assertion criteria provided. Criteria: ACGS Guidelines, 2013. Collection method: clinical testing. Allele origin: germline. Affected: yes. Study: VKGL Data-share Consensus. Not counted in ClinVar's aggregate classification.

NM_001257180.2(SLC20A2):c.58T>C (p.Leu20=)

Gene: SLC20A2 (solute carrier family 20 member 2; minus strand). Cytogenetic location: 8p11.21.
Variant type: single nucleotide variant.
Coding change: c.58T>C on transcript NM_001257180.2 (MANE Select); coding-DNA position 58, T replaced by C.
Protein change: p.Leu20=; no amino-acid change (leucine 20 retained).
Molecular consequence: synonymous variant.
Genome position (GRCh38, 1-based): chr8:42,472,333, A>G on the plus strand (T>C on the coding strand, the complement: SLC20A2 is on the minus strand). VCF-style: chr8-42472333-A-G. GRCh37 (hg19) VCF-style: chr8-42329851-A-G.
Other names: p.Leu20=; c.58T>C, p.Leu20= (NM_001257181.2, NM_006749.5).
Identifiers: ClinVar variation 286393 (VCV000286393.23), dbSNP rs115993270, ClinGen allele CA4733664.